The following is an entry in ClinVar:

ClinVar aggregate classification (germline): Uncertain significance. Review status: criteria provided, multiple submitters, no conflicts (2 of 4 stars). 2 submissions from 2 submitters: Uncertain significance (2). Last evaluated 2022-09-23.

Conditions:
Autosomal recessive limb-girdle muscular dystrophy type 2J (LGMDR10). Also called: Limb-girdle muscular dystrophy, type 2J; MUSCULAR DYSTROPHY, LIMB-GIRDLE, AUTOSOMAL RECESSIVE 10. Identifiers: Orphanet 140922, MedGen C1837342, MONDO:0012127, OMIM 608807.
Dilated cardiomyopathy 1G (CMD1G). Identifiers: Orphanet 154, MedGen C1858763, MONDO:0011400, OMIM 604145.
Hypertrophic cardiomyopathy 9. Also called: Familial hypertrophic cardiomyopathy 9. Identifiers: MedGen C1861065, MONDO:0013412, OMIM 613765.
Tibial muscular dystrophy (TMD). Also called: UDD MYOPATHY; Udd Distal Myopathy – Tibial Muscular Dystrophy; Tibial muscular dystrophy, tardive. Identifiers: Orphanet 609, MedGen C1838244, MONDO:0010870, OMIM 600334.
Early-onset myopathy with fatal cardiomyopathy (CMYO5). Also called: Salih Myopathy; CONGENITAL MYOPATHY 5 WITH CARDIOMYOPATHY. Identifiers: Orphanet 289377, MedGen C2673677, MONDO:0012714, OMIM 611705. Disease mechanism: loss of function.
Myopathy, myofibrillar, 9, with early respiratory failure (MFM9). Also called: MYOPATHY, PROXIMAL, WITH EARLY RESPIRATORY MUSCLE INVOLVEMENT; Hereditary myopathy with early respiratory failure; EDSTROM MYOPATHY; Myopathy, distal, with early respiratory failure, autosomal dominant. Identifiers: Orphanet 178464, Orphanet 34521, MedGen C1863599, MONDO:0011362, OMIM 603689.

Allele frequency attached by ClinVar (database versions not stated): gnomAD exomes below 0.00001.
gnomAD v4.1: 2 of 1,612,088 alleles (0.00012%); highest among the groups gnomAD compares: Non-Finnish European, 0.00017%; no homozygotes.

Submissions (2):

Labcorp Genetics (formerly Invitae), Labcorp
Classification: Uncertain significance for Dilated cardiomyopathy 1G; Autosomal recessive limb-girdle muscular dystrophy type 2J. Last evaluated: 2022-09-23. Review status: criteria provided, single submitter. Criteria: Invitae Variant Classification Sherloc (09022015). Collection method: clinical testing. Allele origin: germline.
Comment: In summary, the available evidence is currently insufficient to determine the role of this variant in disease. Therefore, it has been classified as a Variant of Uncertain Significance. This variant is located in the M band of TTN (PMID: 25589632). Variants in this region may be relevant for neuromuscular disorders, but have not been definitively shown to cause cardiomyopathy (PMID: 23975875). Experimental studies and prediction algorithms are not available or were not evaluated, and the functional significance of this variant is currently unknown. ClinVar contains an entry for this variant (Variation ID: 948269). This variant has not been reported in the literature in individuals affected with TTN-related conditions. This variant is not present in population databases (gnomAD no frequency). This sequence change replaces serine, which is neutral and polar, with proline, which is neutral and non-polar, at codon 34065 of the TTN protein (p.Ser34065Pro).

Fulgent Genetics
Classification: Uncertain significance for Tibial muscular dystrophy; Myopathy, myofibrillar, 9, with early respiratory failure; Dilated cardiomyopathy 1G; Autosomal recessive limb-girdle muscular dystrophy type 2J; Early-onset myopathy with fatal cardiomyopathy; Hypertrophic cardiomyopathy 9. Last evaluated: 2021-09-28. Review status: criteria provided, single submitter. Criteria: ACMG Guidelines, 2015. Collection method: clinical testing. Allele origin: unknown.

Literature cited by the submitters: PubMed 25589632 (cited by Labcorp Genetics (formerly Invitae), Labcorp); PubMed 23975875 (cited by Labcorp Genetics (formerly Invitae), Labcorp).

NM_001267550.2(TTN):c.102193T>C (p.Ser34065Pro)

Genes: TTN (titin; minus strand), TTN-AS1 (TTN antisense RNA 1; plus strand). Cytogenetic location: 2q31.2.
Variant type: single nucleotide variant.
Coding change: c.102193T>C on transcript NM_001267550.2 (MANE Select); coding-DNA position 102193, T replaced by C.
Protein change: p.Ser34065Pro; replaces serine 34065 with proline.
Molecular consequence: missense variant.
Genome position (GRCh38, 1-based): chr2:178,534,422, A>G on the plus strand (T>C on the coding strand, the complement: TTN is on the minus strand). VCF-style: chr2-178534422-A-G. GRCh37 (hg19) VCF-style: chr2-179399149-A-G.
Other names: c.97270T>C, p.Ser32424Pro (NM_001256850.1); c.74998T>C, p.Ser25000Pro (NM_003319.4); c.94489T>C, p.Ser31497Pro (NM_133378.4); c.75373T>C, p.Ser25125Pro (NM_133432.3); c.75574T>C, p.Ser25192Pro (NM_133437.4); short protein forms S32424P, S34065P, S25192P, S31497P, S25000P, S25125P.
Identifiers: ClinVar variation 948269 (VCV000948269.11), dbSNP rs1690528772, ClinGen allele CA349418157.